The following is an entry in ClinVar:

NM_144997.7(FLCN):c.1287C>A (p.His429Gln)

Gene: FLCN (folliculin; minus strand). Cytogenetic location: 17p11.2.
Variant type: single nucleotide variant.
Coding change: c.1287C>A on transcript NM_144997.7 (MANE Select); coding-DNA position 1287, C replaced by A.
Protein change: p.His429Gln; replaces histidine 429 with glutamine.
Molecular consequence: missense variant.
Genome position (GRCh38, 1-based): chr17:17,216,393, G>T on the plus strand (C>A on the coding strand, the complement: FLCN is on the minus strand). VCF-style: chr17-17216393-G-T. GRCh37 (hg19) VCF-style: chr17-17119707-G-T.
Other names: c.1341C>A, p.His447Gln (NM_001353229.2); c.1287C>A, p.His429Gln (NM_001353230.2, NM_001353231.2); short protein forms H429Q, H447Q.
Identifiers: ClinVar variation 1907544 (VCV001907544.5), dbSNP rs374707789, ClinGen allele CA398531614.

ClinVar aggregate classification (germline): Uncertain significance (1 of 4 stars; one submission).

Conditions:
Birt-Hogg-Dube syndrome. Also called: Birt Hogg Dubé syndrome. Identifiers: Orphanet 122, MedGen C0346010, MONDO:0800444.

Submission:

Labcorp Genetics (formerly Invitae), Labcorp
Classification: Uncertain significance for Birt-Hogg-Dube syndrome. Last evaluated: 2022-02-09. Review status: criteria provided, single submitter. Criteria: Invitae Variant Classification Sherloc (09022015). Collection method: clinical testing. Allele origin: germline.
Comment: This sequence change replaces histidine, which is basic and polar, with glutamine, which is neutral and polar, at codon 429 of the FLCN protein (p.His429Gln). This variant is not present in population databases (gnomAD no frequency). This variant has not been reported in the literature in individuals affected with FLCN-related conditions. Algorithms developed to predict the effect of missense changes on protein structure and function are either unavailable or do not agree on the potential impact of this missense change (SIFT: "Tolerated"; PolyPhen-2: "Possibly Damaging"; Align-GVGD: "Class C0"). Algorithms developed to predict the effect of sequence changes on RNA splicing suggest that this variant may create or strengthen a splice site. In summary, the available evidence is currently insufficient to determine the role of this variant in disease. Therefore, it has been classified as a Variant of Uncertain Significance.